The following is an entry in ClinVar:

ClinVar aggregate classification (germline): Pathogenic (1 of 4 stars; one submission).

Submission:

Labcorp Genetics (formerly Invitae), Labcorp
Classification: Pathogenic. Last evaluated: 2022-06-27. Review status: criteria provided, single submitter. Criteria: Invitae Variant Classification Sherloc (09022015). Collection method: clinical testing. Allele origin: germline.
Comment: For these reasons, this variant has been classified as Pathogenic. This variant has not been reported in the literature in individuals affected with MPDZ-related conditions. This variant is present in population databases (no rsID available, gnomAD 0.003%). This sequence change creates a premature translational stop signal (p.Val455Alafs*31) in the MPDZ gene. It is expected to result in an absent or disrupted protein product. Loss-of-function variants in MPDZ are known to be pathogenic (PMID: 23240096, 28556411).

Literature cited by the submitters: PubMed 23240096; PubMed 28556411.

NM_001378778.1(MPDZ):c.1364_1365del (p.Val455fs)

Gene: MPDZ (multiple PDZ domain crumbs cell polarity complex component; minus strand). Cytogenetic location: 9p23.
Variant type: Microsatellite.
Coding change: c.1364_1365del on transcript NM_001378778.1 (MANE Select); coding-DNA positions 1364 to 1365, 2 bases deleted (TG; older notation c.1364_1365delTG).
Protein change: p.Val455fs; shifts the reading frame from valine 455.
Molecular consequence: frameshift variant.
Genome position (GRCh38, 1-based): chr9:13,206,025-13,206,026, CA deleted on the plus strand (TG on the coding strand, the reverse complement: MPDZ is on the minus strand); deleting any 2 consecutive bases within chr9:13,206,025-13,206,028 gives the same sequence; the c. name uses the placement nearest the transcript's 3' end. VCF-style (leftmost placement, unchanged base first): chr9-13206024-GCA-G. GRCh37 (hg19) VCF-style: chr9-13206023-GCA-G.
Other names: c.1364_1365del, p.Val455fs (NM_001261406.2, NM_001261407.2, NM_001330637.2 and 14 more transcripts); short protein forms V455fs.
Identifiers: ClinVar variation 1458966 (VCV001458966.6), dbSNP rs1564026963, ClinGen allele CA586226106.